The following is an entry in ClinVar:

NM_152564.5(VPS13B):c.6848A>T (p.Gln2283Leu)

Gene: VPS13B (vacuolar protein sorting 13 homolog B; plus strand). Cytogenetic location: 8q22.2.
Variant type: single nucleotide variant.
Coding change: c.6848A>T on transcript NM_152564.5 (MANE Select); coding-DNA position 6848, A replaced by T.
Protein change: p.Gln2283Leu; replaces glutamine 2283 with leucine.
Molecular consequence: missense variant.
Genome position (GRCh38, 1-based): chr8:99,720,535, A>T. VCF-style: chr8-99720535-A-T. GRCh37 (hg19) VCF-style: chr8-100732763-A-T.
Other names: c.6923A>T, p.Gln2308Leu (NM_017890.5); short protein forms Q2283L, Q2308L.
Identifiers: ClinVar variation 971645 (VCV000971645.8), dbSNP rs1833091984, ClinGen allele CA371867945.

ClinVar aggregate classification (germline): Uncertain significance (1 of 4 stars; one submission).

Conditions:
Cohen syndrome (COH1). Also called: Cutis verticis gyrata, retinitis pigmentosa, and sensorineural deafness; PEPPER SYNDROME. Identifiers: Orphanet 193, MedGen C0265223, MONDO:0008999, OMIM 216550.

Submission:

Labcorp Genetics (formerly Invitae), Labcorp
Classification: Uncertain significance for Cohen syndrome. Last evaluated: 2019-09-27. Review status: criteria provided, single submitter. Criteria: Invitae Variant Classification Sherloc (09022015). Collection method: clinical testing. Allele origin: germline.
Comment: In summary, the available evidence is currently insufficient to determine the role of this variant in disease. Therefore, it has been classified as a Variant of Uncertain Significance. Algorithms developed to predict the effect of missense changes on protein structure and function (SIFT, PolyPhen-2, Align-GVGD) all suggest that this variant is likely to be tolerated, but these predictions have not been confirmed by published functional studies and their clinical significance is uncertain. This variant has not been reported in the literature in individuals with VPS13B-related conditions. This variant is not present in population databases (ExAC no frequency). This sequence change replaces glutamine with leucine at codon 2308 of the VPS13B protein (p.Gln2308Leu). The glutamine residue is moderately conserved and there is a moderate physicochemical difference between glutamine and leucine.